The following is an entry in ClinVar:

ClinVar aggregate classification (germline): Uncertain significance (1 of 4 stars; one submission).

Conditions:
Glycogen storage disease due to muscle and heart glycogen synthase deficiency. Also called: GSD 0b; MUSCLE GLYCOGEN SYNTHASE DEFICIENCY. Identifiers: Orphanet 137625, MedGen C1969054, MONDO:0012693, OMIM 611556.

Allele frequency attached by ClinVar (database versions not stated): gnomAD exomes 0.00001.
gnomAD v4.1: 10 of 1,600,038 alleles (0.00062%); highest among the groups gnomAD compares: Non-Finnish European, 0.00077%; no homozygotes.

Submission:

Labcorp Genetics (formerly Invitae), Labcorp
Classification: Uncertain significance for Glycogen storage disease due to muscle and heart glycogen synthase deficiency. Last evaluated: 2022-08-10. Review status: criteria provided, single submitter. Criteria: Invitae Variant Classification Sherloc (09022015). Collection method: clinical testing. Allele origin: germline.
Comment: In summary, the available evidence is currently insufficient to determine the role of this variant in disease. Therefore, it has been classified as a Variant of Uncertain Significance. Algorithms developed to predict the effect of sequence changes on RNA splicing suggest that this variant is not likely to affect RNA splicing. ClinVar contains an entry for this variant (Variation ID: 951530). This variant has not been reported in the literature in individuals affected with GYS1-related conditions. This variant is present in population databases (no rsID available, gnomAD 0.003%). This sequence change affects codon 516 of the GYS1 mRNA. It is a 'silent' change, meaning that it does not change the encoded amino acid sequence of the GYS1 protein. It affects a nucleotide within the consensus splice site.

NM_002103.5(GYS1):c.1548G>A (p.Pro516=)

Gene: GYS1 (glycogen synthase 1; minus strand). Cytogenetic location: 19q13.33.
Variant type: single nucleotide variant.
Coding change: c.1548G>A on transcript NM_002103.5 (MANE Select); coding-DNA position 1548, G replaced by A.
Protein change: p.Pro516=; no amino-acid change (proline 516 retained).
Molecular consequence: synonymous variant. On other transcripts: non-coding transcript variant (1).
Genome position (GRCh38, 1-based): chr19:48,974,214, C>T on the plus strand (G>A on the coding strand, the complement: GYS1 is on the minus strand). VCF-style: chr19-48974214-C-T. GRCh37 (hg19) VCF-style: chr19-49477471-C-T.
Other names: c.1356G>A, p.Pro452= (NM_001161587.2).
Identifiers: ClinVar variation 951530 (VCV000951530.9), dbSNP rs1460204907, ClinGen allele CA508081253.